The following is an entry in ClinVar:

ClinVar aggregate classification (germline): Pathogenic/Likely pathogenic. Review status: criteria provided, multiple submitters, no conflicts (2 of 4 stars). 4 submissions from 4 submitters: Pathogenic (2); Likely pathogenic (2). Last evaluated 2025-06-14.

Conditions:
Inborn genetic diseases. Identifiers: MedGen C0950123, MeSH D030342.
Chromosome 2q32-q33 deletion syndrome (GLASS). Also called: Glass syndrome; 2q33.1 deletion syndrome. Identifiers: Orphanet 251019, MedGen C2676739, MONDO:0012864, OMIM 612313.

Allele frequency attached by ClinVar (database versions not stated): ExAC 0.00001.

Submissions (4):

GeneDx
Classification: Pathogenic. Last evaluated: 2025-06-14. Review status: criteria provided, single submitter. Criteria: GeneDx Variant Classification Process June 2021. Collection method: clinical testing. Allele origin: germline. Affected: yes.
Comment: Reported in individuals with SATB2-related neurodevelopmental disorder in the published literature (PMID: 40225157); In silico analysis supports that this missense variant has a deleterious effect on protein structure/function; This variant is associated with the following publications: (PMID: denHoed2025[preprint], 40225157)

Center of Human Genetics, Hôpital Erasme
Classification: Likely pathogenic for Chromosome 2q32-q33 deletion syndrome. Last evaluated: 2025-01-01. Review status: criteria provided, single submitter. Criteria: ACMG Guidelines, 2015. Collection method: clinical testing. Allele origin: de novo. Affected: yes.

Ambry Genetics
Classification: Pathogenic for Inborn genetic diseases. Last evaluated: 2024-10-10. Review status: criteria provided, single submitter. Criteria: Ambry Variant Classification Scheme 2023. Collection method: clinical testing. Allele origin: germline.
Comment: The c.1946C>T (p.S649L) alteration is located in exon 12 (coding exon 10) of the SATB2 gene. This alteration results from a C to T substitution at nucleotide position 1946, causing the serine (S) at amino acid position 649 to be replaced by a leucine (L). Based on data from gnomAD, the T allele has an overall frequency of <0.001% (1/251296) total alleles studied. The highest observed frequency was 0.001% (1/113590) of European (non-Finnish) alleles. This variant has been determined to be the result of a de novo mutation in multiple individuals with features consistent with Glass syndrome (external communication; Ambry internal data). This amino acid position is highly conserved in available vertebrate species. This missense alteration is located in a region that has a low rate of benign missense variation (Lek, 2016; Firth, 2009). This alteration is predicted to be deleterious by in silico analysis. Based on the available evidence, this alteration is classified as pathogenic.

CeGaT Center for Human Genetics Tuebingen
Classification: Likely pathogenic. Last evaluated: 2019-11-01. Review status: criteria provided, single submitter. Criteria: CeGaT Center For Human Genetics Tuebingen Variant Classification Criteria Version 2. Collection method: clinical testing. Allele origin: germline. Affected: yes. Observed: 1 variant allele.

NM_001172509.2(SATB2):c.1946C>T (p.Ser649Leu)

Genes: SATB2 (SATB homeobox 2; minus strand), LOC126806462 (MED14-independent group 3 enhancer GRCh37_chr2:200136608-200137807; plus strand). Cytogenetic location: 2q33.1.
Variant type: single nucleotide variant.
Coding change: c.1946C>T on transcript NM_001172509.2 (MANE Select); coding-DNA position 1946, C replaced by T.
Protein change: p.Ser649Leu; replaces serine 649 with leucine.
Molecular consequence: missense variant.
Genome position (GRCh38, 1-based): chr2:199,272,467, G>A on the plus strand (C>T on the coding strand, the complement: SATB2 is on the minus strand). VCF-style: chr2-199272467-G-A. GRCh37 (hg19) VCF-style: chr2-200137190-G-A.
Other names: c.1946C>T, p.Ser649Leu (NM_001172517.1, NM_015265.4); c.1946C>T (NM_001172509.1); short protein forms S649L.
Identifiers: ClinVar variation 546548 (VCV000546548.48), dbSNP rs746319722, ClinGen allele CA2045777.